The following is an entry in ClinVar:

NM_006445.4(PRPF8):c.4G>A (p.Ala2Thr)

Gene: PRPF8 (pre-mRNA processing factor 8; minus strand). Cytogenetic location: 17p13.3.
Variant type: single nucleotide variant.
Coding change: c.4G>A on transcript NM_006445.4 (MANE Select); coding-DNA position 4, G replaced by A.
Protein change: p.Ala2Thr; replaces alanine 2 with threonine.
Molecular consequence: missense variant.
Genome position (GRCh38, 1-based): chr17:1,684,568, C>T on the plus strand (G>A on the coding strand, the complement: PRPF8 is on the minus strand). VCF-style: chr17-1684568-C-T. GRCh37 (hg19) VCF-style: chr17-1587862-C-T.
Other names: short protein forms A2T.
Identifiers: ClinVar variation 2499950 (VCV002499950.1), dbSNP rs2543790887, ClinGen allele CA397572634.

ClinVar aggregate classification (germline): Uncertain significance (1 of 4 stars; one submission).

Submission:

GeneDx
Classification: Uncertain significance. Last evaluated: 2022-10-19. Review status: criteria provided, single submitter. Criteria: GeneDx Variant Classification Process June 2021. Collection method: clinical testing. Allele origin: germline. Affected: yes.
Comment: Not observed at significant frequency in large population cohorts (gnomAD); In silico analysis supports that this missense variant does not alter protein structure/function; Has not been previously published as pathogenic or benign to our knowledge